The following is an entry in ClinVar:

ClinVar aggregate classification (germline): Likely benign. Review status: criteria provided, multiple submitters, no conflicts (2 of 4 stars). 2 submissions from 2 submitters: Likely benign (2). Last evaluated 2023-05-01.

Allele frequency attached by ClinVar (database versions not stated): gnomAD exomes below 0.00001; gnomAD 0.00001.
gnomAD v4.1: 3 of 1,613,926 alleles (0.00019%); highest among the groups gnomAD compares: Admixed American, 0.0033%; no homozygotes.

Submissions (2):

CeGaT Center for Human Genetics Tuebingen
Classification: Likely benign. Last evaluated: 2023-05-01. Review status: criteria provided, single submitter. Criteria: CeGaT Center For Human Genetics Tuebingen Variant Classification Criteria Version 2. Collection method: clinical testing. Allele origin: germline. Affected: yes. Observed: 1 variant allele.
Comment: BCS1L: BP4, BP7

Labcorp Genetics (formerly Invitae), Labcorp
Classification: Likely benign. Last evaluated: 2023-04-08. Review status: criteria provided, single submitter. Criteria: Invitae Variant Classification Sherloc (09022015). Collection method: clinical testing. Allele origin: germline.

NM_001079866.2(BCS1L):c.942T>C (p.Asn314=)

Gene: BCS1L (BCS1 ubiquinol-cytochrome c reductase complex chaperone; plus strand). Cytogenetic location: 2q35.
Variant type: single nucleotide variant.
Coding change: c.942T>C on transcript NM_001079866.2 (MANE Select); coding-DNA position 942, T replaced by C.
Protein change: p.Asn314=; no amino-acid change (asparagine 314 retained).
Molecular consequence: synonymous variant. On other transcripts: non-coding transcript variant (1).
Genome position (GRCh38, 1-based): chr2:218,662,935, T>C. VCF-style: chr2-218662935-T-C. GRCh37 (hg19) VCF-style: chr2-219527658-T-C.
Other names: c.942T>C, p.Asn314= (NM_001257342.2, NM_001257343.2, NM_001257344.2 and 10 more transcripts); c.582T>C, p.Asn194= (NM_001318836.2, NM_001371451.1); c.441T>C, p.Asn147= (NM_001371452.1, NM_001371453.1, NM_001371454.1 and 3 more transcripts).
Identifiers: ClinVar variation 2651897 (VCV002651897.27), dbSNP rs1386438067, ClinGen allele CA431412595.
Genomic context (GRCh38, chr2:218,662,935, plus strand): 5'-TCCTCCAGACCCAGTAAAGTACCAAGGCCTAGGTCGCCTCACCTTCAGTGGACTGCTCAA[T>C]GCCTTGGATGGTGTGGCTTCCACCGAGGCCCGCATCGTGTTCATGACCACCAACCACGTT-3'
Protein context (NP_001073335.1, residues 304-324): LGRLTFSGLL[Asn314=]ALDGVASTEA